The following is an entry in ClinVar:

NM_001122955.4(BSCL2):c.1141C>A (p.Pro381Thr)

Genes: BSCL2 (BSCL2 lipid droplet biogenesis associated, seipin; minus strand), HNRNPUL2-BSCL2 (HNRNPUL2-BSCL2 readthrough (NMD candidate); minus strand). Cytogenetic location: 11q12.3.
Variant type: single nucleotide variant.
Coding change: c.1141C>A on transcript NM_001122955.4 (MANE Select); coding-DNA position 1141, C replaced by A.
Protein change: p.Pro381Thr; replaces proline 381 with threonine.
Molecular consequence: missense variant. On other transcripts: non-coding transcript variant (1), synonymous variant (1).
Genome position (GRCh38, 1-based): chr11:62,690,799, G>T on the plus strand (C>A on the coding strand, the complement: BSCL2 is on the minus strand). VCF-style: chr11-62690799-G-T. GRCh37 (hg19) VCF-style: chr11-62458271-G-T.
Other names: c.807C>A, p.Ile269= (NM_001130702.2); c.1147C>A, p.Pro383Thr (NM_001386027.1); c.1141C>A, p.Pro381Thr (NM_001386028.1); c.949C>A, p.Pro317Thr (NM_032667.6); short protein forms P317T, P381T, P383T.
Identifiers: ClinVar variation 643166 (VCV000643166.8), dbSNP rs1294077057, ClinGen allele CA380956615.

ClinVar aggregate classification (germline): Uncertain significance (1 of 4 stars; one submission).

Conditions:
Charcot-Marie-Tooth disease type 2. Also called: Charcot-Marie-Tooth type 2. Identifiers: Orphanet 64746, MedGen C0270914, MONDO:0018993.

Allele frequency attached by ClinVar (database versions not stated): TOPMed below 0.00001.

Submission:

Labcorp Genetics (formerly Invitae), Labcorp
Classification: Uncertain significance for Charcot-Marie-Tooth disease type 2. Last evaluated: 2025-06-22. Review status: criteria provided, single submitter. Criteria: Invitae Variant Classification Sherloc (09022015). Collection method: clinical testing. Allele origin: germline.
Comment: This sequence change replaces proline, which is neutral and non-polar, with threonine, which is neutral and polar, at codon 317 of the BSCL2 protein (p.Pro317Thr). This variant is not present in population databases (gnomAD no frequency). This variant has not been reported in the literature in individuals affected with BSCL2-related conditions. ClinVar contains an entry for this variant (Variation ID: 643166). Invitae Evidence Modeling of protein sequence and biophysical properties (such as structural, functional, and spatial information, amino acid conservation, physicochemical variation, residue mobility, and thermodynamic stability) indicates that this missense variant is not expected to disrupt BSCL2 protein function with a negative predictive value of 80%. In summary, the available evidence is currently insufficient to determine the role of this variant in disease. Therefore, it has been classified as a Variant of Uncertain Significance.